The following is an entry in ClinVar:

NM_005751.5(AKAP9):c.10589C>T (p.Pro3530Leu)

Gene: AKAP9 (A-kinase anchoring protein 9; plus strand). Cytogenetic location: 7q21.2.
Variant type: single nucleotide variant.
Coding change: c.10589C>T on transcript NM_005751.5 (MANE Select); coding-DNA position 10589, C replaced by T.
Protein change: p.Pro3530Leu; replaces proline 3530 with leucine.
Molecular consequence: missense variant.
Genome position (GRCh38, 1-based): chr7:92,097,776, C>T. VCF-style: chr7-92097776-C-T. GRCh37 (hg19) VCF-style: chr7-91727090-C-T.
Other names: c.5234C>T, p.Pro1745Leu (NM_001379277.1); c.10565C>T, p.Pro3522Leu (NM_147185.3); short protein forms P3530L, P3522L, P1745L.
Identifiers: ClinVar variation 1922047 (VCV001922047.5), dbSNP rs774277660, ClinGen allele CA368157315.
Genomic context (GRCh38, chr7:92,097,776, plus strand): 5'-ATGAATTAGAAATGATCAGACAAAAGCTTCAATGTGTAGCTTCAAAACTACAGGTTCTAC[C>T]CCAGAAAGCCTCTGAGAGGTTAGACTTTTCTGCCTGATCTTTGGGAAAGTAGTATTCTTA-3'
Protein context (NP_005742.4, residues 3520-3540): QCVASKLQVL[Pro3530Leu]QKASERLQFE

ClinVar aggregate classification (germline): Uncertain significance (1 of 4 stars; one submission).

Conditions:
Long QT syndrome (LQTS). Identifiers: MedGen C0023976, MeSH D008133, MONDO:0002442. Disease mechanism: loss of function. Inheritance: Various modes of inheritance.

Allele frequency attached by ClinVar (database versions not stated): gnomAD exomes below 0.00001.
gnomAD v4.1: 1 of 1,614,104 alleles (0.000062%); highest among the groups gnomAD compares: Non-Finnish European, 0.000085%; no homozygotes.

Submission:

Labcorp Genetics (formerly Invitae), Labcorp
Classification: Uncertain significance for Long QT syndrome. Last evaluated: 2022-01-06. Review status: criteria provided, single submitter. Criteria: Invitae Variant Classification Sherloc (09022015). Collection method: clinical testing. Allele origin: germline.
Comment: In summary, the available evidence is currently insufficient to determine the role of this variant in disease. Therefore, it has been classified as a Variant of Uncertain Significance. Algorithms developed to predict the effect of missense changes on protein structure and function are either unavailable or do not agree on the potential impact of this missense change (SIFT: "Deleterious"; PolyPhen-2: "Benign"; Align-GVGD: "Class C0"). This variant has not been reported in the literature in individuals affected with AKAP9-related conditions. This variant is not present in population databases (gnomAD no frequency). This sequence change replaces proline, which is neutral and non-polar, with leucine, which is neutral and non-polar, at codon 3530 of the AKAP9 protein (p.Pro3530Leu).